The following is an entry in ClinVar:

ClinVar aggregate classification (germline): Likely pathogenic (1 of 4 stars; one submission).

Submission:

Labcorp Genetics (formerly Invitae), Labcorp
Classification: Likely pathogenic. Last evaluated: 2025-07-29. Review status: criteria provided, single submitter. Criteria: Invitae Variant Classification Sherloc (09022015). Collection method: clinical testing. Allele origin: germline.
Comment: This sequence change affects an acceptor splice site in intron 5 of the PAFAH1B1 gene. It is expected to disrupt RNA splicing. Variants that disrupt the donor or acceptor splice site typically lead to a loss of protein function (PMID: 16199547), and loss-of-function variants in PAFAH1B1 are known to be pathogenic (PMID: 1671808, 11115846, 14581661). This variant is not present in population databases (gnomAD no frequency). Disruption of this splice site has been observed in individual(s) with clinical features of PAFAH1B1-related conditions (internal data). Algorithms developed to predict the effect of sequence changes on RNA splicing suggest that this variant may disrupt the consensus splice site. In summary, the currently available evidence indicates that the variant is pathogenic, but additional data are needed to prove that conclusively. Therefore, this variant has been classified as Likely Pathogenic.

Literature cited by the submitters: PubMed 16199547; PubMed 1671808; PubMed 11115846; PubMed 14581661.

NM_000430.4(PAFAH1B1):c.400-2A>G

Gene: PAFAH1B1 (platelet activating factor acetylhydrolase 1b regulatory subunit 1; plus strand). Cytogenetic location: 17p13.3.
Variant type: single nucleotide variant.
Coding change: c.400-2A>G on transcript NM_000430.4 (MANE Select); the canonical splice acceptor site of the intron before coding-DNA position 400, A replaced by G.
Molecular consequence: splice acceptor variant.
Genome position (GRCh38, 1-based): chr17:2,670,161, A>G. VCF-style: chr17-2670161-A-G. GRCh37 (hg19) VCF-style: chr17-2573455-A-G.
Identifiers: ClinVar variation 4723866 (VCV004723866.1).
Genomic context (GRCh38, chr17:2,670,161, plus strand): 5'-AAATGTGAAACAAGAAAGGAGTGATGGAGTTGGTGTTAACCAATTTTCTGTTCACTTGAC[A>G]GGTGTGGGATTATGAGACTGGAGATTTTGAACGAACTCTTAAAGGACATACAGACTCTGT-3'